The following is an entry in ClinVar:

NM_005159.5(ACTC1):c.141G>T (p.Val47=)

Genes: GJD2-DT (GJD2 divergent transcript; plus strand), ACTC1 (actin alpha cardiac muscle 1; minus strand). Cytogenetic location: 15q14.
Variant type: single nucleotide variant.
Coding change: c.141G>T on transcript NM_005159.5 (MANE Select); coding-DNA position 141, G replaced by T.
Protein change: p.Val47=; no amino-acid change (valine 47 retained).
Molecular consequence: synonymous variant.
Genome position (GRCh38, 1-based): chr15:34,793,558, C>A on the plus strand (G>T on the coding strand, the complement: ACTC1 is on the minus strand). VCF-style: chr15-34793558-C-A. GRCh37 (hg19) VCF-style: chr15-35085759-C-A.
Identifiers: ClinVar variation 925833 (VCV000925833.7), dbSNP rs1409682416, ClinGen allele CA489655541.
Genomic context (GRCh38, chr15:34,793,558, plus strand): 5'-CAGGATGCCTCTCTTGCTCTGGGCTTCATCACCTACGTAGGAGTCCTTCTGACCCATACC[C>A]ACCATAACTCCCTATGAGAAGAAAAAATGAGAAAATCATGCTCTCACCATGTCAGGAATA-3'
Protein context (NP_005150.1, residues 37-57): VGRPRHQGVM[Val47=]GMGQKDSYVG

ClinVar aggregate classification (germline): Likely benign. Review status: criteria provided, multiple submitters, no conflicts (2 of 4 stars). 3 submissions from 3 submitters: Likely benign (3). Last evaluated 2024-08-27.

Conditions:
Atrial septal defect 5 (ASD5). Identifiers: Orphanet 1478, MedGen C2748552, MONDO:0013011, OMIM 612794.
Dilated cardiomyopathy 1R (CMD1R). Identifiers: Orphanet 154, Orphanet 54260, MedGen C3150681, MONDO:0013261, OMIM 613424.
Hypertrophic cardiomyopathy 11. Also called: ACTC1-Related Familial Hypertrophic Cardiomyopathy. Identifiers: MedGen C2677506, MONDO:0012799, OMIM 612098.
Hypertrophic cardiomyopathy. Also called: HYPERTROPHIC MYOCARDIOPATHY. Identifiers: Orphanet 217569, MedGen C0007194, MeSH D002312, MONDO:0005045, HP:0001639.
Cardiomyopathy (CMYO). Also called: Cardiomyopathies. Identifiers: Orphanet 167848, MedGen C0878544, MONDO:0004994, HP:0001638. Inheritance: Various modes of inheritance.

Allele frequency attached by ClinVar (database versions not stated): gnomAD exomes 0.00004; TOPMed 0.00006; gnomAD 0.00016 and 0.00017.

Submissions (3):

Labcorp Genetics (formerly Invitae), Labcorp
Classification: Likely benign for Dilated cardiomyopathy 1R; Hypertrophic cardiomyopathy 11; Atrial septal defect 5. Last evaluated: 2024-08-27. Review status: criteria provided, single submitter. Criteria: Invitae Variant Classification Sherloc (09022015). Collection method: clinical testing. Allele origin: germline.

All of Us Research Program, National Institutes of Health
Classification: Likely benign for Hypertrophic cardiomyopathy. Last evaluated: 2024-05-09. Review status: criteria provided, single submitter. Criteria: ACMG Guidelines, 2015. Collection method: clinical testing. Allele origin: germline. Inheritance: Autosomal dominant inheritance. Observed: 1 variant allele, 1 heterozygote.
Comment: This study involves interpretation of variants in research participants for the purpose of population health screening. Participant phenotype was not available at the time of variant classification. Additional details can be found in publication PMID: 35346344, PMCID: PMC8962531

Color Diagnostics, LLC DBA Color Health
Classification: Likely benign for Cardiomyopathy. Last evaluated: 2019-07-26. Review status: criteria provided, single submitter. Criteria: ACMG Guidelines, 2015. Collection method: clinical testing. Allele origin: germline.